The following is an entry in ClinVar:

ClinVar aggregate classification (germline): Uncertain significance (1 of 4 stars; one submission).

Conditions:
Hereditary cancer-predisposing syndrome. Also called: Neoplastic Syndromes, Hereditary; Tumor predisposition; Hereditary Cancer Syndrome; Hereditary neoplastic syndrome. Identifiers: Orphanet 140162, MedGen C0027672, MeSH D009386, MONDO:0015356.

Submission:

Ambry Genetics
Classification: Uncertain significance for Hereditary cancer-predisposing syndrome. Last evaluated: 2022-01-13. Review status: criteria provided, single submitter. Criteria: Ambry Variant Classification Scheme 2023. Collection method: clinical testing. Allele origin: germline.
Comment: The p.I245R variant (also known as c.734T>G), located in coding exon 4 of the MSH6 gene, results from a T to G substitution at nucleotide position 734. The isoleucine at codon 245 is replaced by arginine, an amino acid with similar properties. This amino acid position is not well conserved in available vertebrate species. In addition, this alteration is predicted to be tolerated by in silico analysis. Since supporting evidence is limited at this time, the clinical significance of this alteration remains unclear.

NM_000179.3(MSH6):c.734T>G (p.Ile245Arg)

Gene: MSH6 (mutS homolog 6; plus strand). Cytogenetic location: 2p16.3.
Variant type: single nucleotide variant.
Coding change: c.734T>G on transcript NM_000179.3 (MANE Select); coding-DNA position 734, T replaced by G.
Protein change: p.Ile245Arg; replaces isoleucine 245 with arginine.
Molecular consequence: missense variant. On other transcripts: 5 prime UTR variant (2).
Genome position (GRCh38, 1-based): chr2:47,798,717, T>G. VCF-style: chr2-47798717-T-G. GRCh37 (hg19) VCF-style: chr2-48025856-T-G.
Other names: c.344T>G, p.Ile115Arg (NM_001281492.2); c.-173T>G (NM_001281493.2, NM_001281494.2, NM_001406811.1 and 6 more transcripts); c.830T>G, p.Ile277Arg (NM_001406795.1, NM_001406802.1); c.734T>G, p.Ile245Arg (NM_001406796.1, NM_001406798.1, NM_001406800.1 and 4 more transcripts); c.437T>G, p.Ile146Arg (NM_001406797.1, NM_001406801.1, NM_001406805.1 and 10 more transcripts); c.209T>G, p.Ile70Arg (NM_001406799.1, NM_001406806.1, NM_001406807.1); c.656T>G, p.Ile219Arg (NM_001406804.1); c.740T>G, p.Ile247Arg (NM_001406813.1); and 1 more; short protein forms I146R, I245R, I189R, I219R, I247R, I115R, I70R, I277R.
Identifiers: ClinVar variation 1758453 (VCV001758453.2), dbSNP rs1246977317, ClinGen allele CA346740056.